The following is an entry in ClinVar:

GRCh38/hg38 17p12(chr17:14186983-15563870)x3

Genes: CDRT15 (CMT1A duplicated region transcript 15; minus strand), CDRT3 (CMT1A duplicated region transcript 3; minus strand), CDRT4 (CMT1A duplicated region transcript 4; minus strand), CDRT7 (CMT1A duplicated region transcript 7; plus strand), CDRT8 (CMT1A duplicated region transcript 8; minus strand) and 22 more. Cytogenetic location: 17p12.
Variant type: copy number gain.
Change: copy number 3 (three copies instead of two) of chr17:14,186,983-15,563,870 (1.38 Mb, GRCh38 coordinates, 1-based), cytogenetic band 17p12.
Identifiers: ClinVar variation 58103 (VCV000058103.2).

ClinVar aggregate classification (germline): Pathogenic (1 of 4 stars; one submission).

Submission:

ISCA Site 6
Classification: Pathogenic. Last evaluated: 2011-08-12. Review status: criteria provided, single submitter. Criteria: Kaminsky et al. (Genet Med. 2011). Collection method: clinical testing. Allele origin: unknown. Affected: yes. Observed: 1 variant allele.
Comment: Copy number variation identified through the course of routine clinical cytogenomic testing in postnatal populations. Clinical assertions have been curated as described in Kaminsky et al. 2011.